The following is an entry in ClinVar:

NM_002334.4(LRP4):c.1551T>C (p.Ala517=)

Gene: LRP4 (LDL receptor related protein 4; minus strand). Cytogenetic location: 11p11.2.
Variant type: single nucleotide variant.
Coding change: c.1551T>C on transcript NM_002334.4 (MANE Select); coding-DNA position 1551, T replaced by C.
Protein change: p.Ala517=; no amino-acid change (alanine 517 retained).
Molecular consequence: synonymous variant.
Genome position (GRCh38, 1-based): chr11:46,893,119, A>G on the plus strand (T>C on the coding strand, the complement: LRP4 is on the minus strand). VCF-style: chr11-46893119-A-G. GRCh37 (hg19) VCF-style: chr11-46914670-A-G.
Identifiers: ClinVar variation 194206 (VCV000194206.65), dbSNP rs150777198, ClinGen allele CA201027.

ClinVar aggregate classification (germline): Conflicting classifications of pathogenicity. Review status: criteria provided, conflicting classifications (1 of 4 stars). 5 submissions from 5 submitters: Uncertain significance (1); Benign (2); Likely benign (2). Last evaluated 2026-02-01.

Conditions:
Cenani-Lenz syndactyly syndrome. Also called: CENANI SYNDACTYLISM; SYNDACTYLY, TYPE VII. Identifiers: Orphanet 3258, MedGen C1859309, MONDO:0008931, OMIM 212780.
Sclerosteosis 2 (SOST2). Identifiers: Orphanet 3152, MedGen C3280402, MONDO:0013679, OMIM 614305.
Congenital myasthenic syndrome 17. Identifiers: Orphanet 590, MedGen C4225377, MONDO:0014578, OMIM 616304.

Allele frequency attached by ClinVar (database versions not stated): ESP Exome Variant Server 0.00246; 1000 Genomes Project 0.00260; 1000 Genomes Project 30x 0.00265; TOPMed 0.00266; gnomAD 0.00307 and 0.00314; gnomAD exomes 0.00377; ExAC 0.00396.
gnomAD v4.1: 6,992 of 1,614,184 alleles (0.43%); highest among the groups gnomAD compares: South Asian, 0.75%; 31 homozygotes.

Submissions (5):

CeGaT Center for Human Genetics Tuebingen
Classification: Likely benign. Last evaluated: 2026-02-01. Review status: criteria provided, single submitter. Criteria: CeGaT Center For Human Genetics Tuebingen Variant Classification Criteria Version 2. Collection method: clinical testing. Allele origin: germline. Affected: yes. Observed: 7 variant alleles.
Comment: LRP4: BP4, BP7, BS2

Labcorp Genetics (formerly Invitae), Labcorp
Classification: Benign for Cenani-Lenz syndactyly syndrome; Sclerosteosis 2; Congenital myasthenic syndrome 17. Last evaluated: 2026-02-01. Review status: criteria provided, single submitter. Criteria: Invitae Variant Classification Sherloc (09022015). Collection method: clinical testing. Allele origin: germline.

GeneDx
Classification: Likely benign. Last evaluated: 2021-09-17. Review status: criteria provided, single submitter. Criteria: GeneDx Variant Classification Process June 2021. Collection method: clinical testing. Allele origin: germline. Affected: yes.

Illumina Laboratory Services, Illumina
Classification: Uncertain significance for Cenani-Lenz syndactyly syndrome. Last evaluated: 2017-04-27. Review status: criteria provided, single submitter. Criteria: ICSL Variant Classification Criteria 13 December 2019. Collection method: clinical testing. Allele origin: germline.

Eurofins Ntd Llc (ga)
Classification: Benign. Last evaluated: 2015-05-13. Review status: criteria provided, single submitter. Criteria: EGL Classification Definitions 2015. Collection method: clinical testing. Allele origin: germline. Observed: 1 variant allele, 1 heterozygote.